The following is an entry in ClinVar:

ClinVar aggregate classification (germline): Uncertain significance. Review status: criteria provided, multiple submitters, no conflicts (2 of 4 stars). 2 submissions from 2 submitters: Uncertain significance (2). Last evaluated 2023-12-21.

Conditions:
Inborn genetic diseases. Identifiers: MedGen C0950123, MeSH D030342.

Allele frequency attached by ClinVar (database versions not stated): gnomAD exomes below 0.00001.
gnomAD v4.1: 1 of 1,614,164 alleles (0.000062%); highest among the groups gnomAD compares: Non-Finnish European, 0.000085%; no homozygotes.

Submissions (2):

Ambry Genetics
Classification: Uncertain significance for Inborn genetic diseases. Last evaluated: 2023-12-21. Review status: criteria provided, single submitter. Criteria: Ambry Variant Classification Scheme 2023. Collection method: clinical testing. Allele origin: germline.

Labcorp Genetics (formerly Invitae), Labcorp
Classification: Uncertain significance. Last evaluated: 2020-12-21. Review status: criteria provided, single submitter. Criteria: Invitae Variant Classification Sherloc (09022015). Collection method: clinical testing. Allele origin: germline.
Comment: In summary, the available evidence is currently insufficient to determine the role of this variant in disease. Therefore, it has been classified as a Variant of Uncertain Significance. Algorithms developed to predict the effect of missense changes on protein structure and function (SIFT, PolyPhen-2, Align-GVGD) all suggest that this variant is likely to be tolerated, but these predictions have not been confirmed by published functional studies and their clinical significance is uncertain. This variant has not been reported in the literature in individuals with PIGP-related conditions. This variant is not present in population databases (ExAC no frequency). This sequence change replaces phenylalanine with tyrosine at codon 15 of the PIGP protein (p.Phe15Tyr). The phenylalanine residue is weakly conserved and there is a small physicochemical difference between phenylalanine and tyrosine.

NM_153682.3(PIGP):c.-22-7T>A

Genes: PIGP (phosphatidylinositol glycan anchor biosynthesis class P; minus strand), LOC130066643 (ATAC-STARR-seq lymphoblastoid silent region 13296; plus strand). Cytogenetic location: 21q22.13.
Variant type: single nucleotide variant.
Coding change: c.-22-7T>A on transcript NM_153682.3 (MANE Select); 7 bases into the intron before 22 bases upstream of the start codon, T replaced by A.
Molecular consequence: intron variant. On other transcripts: missense variant (1).
Genome position (GRCh38, 1-based): chr21:37,072,544, A>T on the plus strand (T>A on the coding strand, the complement: PIGP is on the minus strand). VCF-style: chr21-37072544-A-T. GRCh37 (hg19) VCF-style: chr21-38444844-A-T.
Other names: c.44T>A, p.Phe15Tyr (NM_153681.2); c.-266-7T>A (NM_016430.4); c.-22-7T>A (NM_001320480.2); short protein forms F15Y.
Identifiers: ClinVar variation 1521877 (VCV001521877.9), dbSNP rs2146818519, ClinGen allele CA409921653.